The following is an entry in ClinVar:

ClinVar aggregate classification (germline): Uncertain significance (0 of 4 stars; one submission).

Allele frequency attached by ClinVar (database versions not stated): gnomAD 0.00012 and 0.00013; ESP Exome Variant Server 0.00015.
gnomAD v4.1: 209 of 1,614,082 alleles (0.013%); highest among the groups gnomAD compares: Non-Finnish European, 0.0019%; 1 homozygote.

Submission:

Department of Pathology and Laboratory Medicine, Sinai Health System
Classification: Uncertain significance. Review status: no assertion criteria provided. Collection method: clinical testing. Allele origin: unknown. Affected: yes. Study: The Canadian Open Genetics Repository (COGR).
Comment: The MAB21L1 p.Val41Ile variant was not identified in the literature nor was it identified in ClinVar. The variant was identified in dbSNP (ID: rs139304367) and in control databases in 74 of 282900 chromosomes at a frequency of 0.0002616 (Genome Aggregation Database March 6, 2019, v2.1.1). The variant was observed in the following populations: Ashkenazi Jewish in 62 of 10370 chromosomes (freq: 0.005979), Other in 3 of 7228 chromosomes (freq: 0.000415) and European (non-Finnish) in 9 of 129196 chromosomes (freq: 0.00007), but was not observed in the African, Latino, East Asian, European (Finnish), or South Asian populations. The p.Val41 residue is conserved in mammals but not in more distantly related organisms however four out of five computational analyses (PolyPhen-2, SIFT, AlignGVGD, BLOSUM, MutationTaster) do not suggest a high likelihood of impact to the protein; this information is not predictive enough to rule out pathogenicity. The variant occurs outside of the splicing consensus sequence and in silico or computational prediction software programs (SpliceSiteFinder, MaxEntScan, NNSPLICE, GeneSplicer) do not predict a difference in splicing. In summary, based on the above information the clinical significance of this variant cannot be determined with certainty at this time. This variant is classified as a variant of uncertain significance.

NM_005584.5(MAB21L1):c.121G>A (p.Val41Ile)

Genes: MAB21L1 (mab-21 like 1; minus strand), NBEA (neurobeachin; plus strand). Cytogenetic location: 13q13.3.
Variant type: single nucleotide variant.
Coding change: c.121G>A on transcript NM_005584.5 (MANE Select); coding-DNA position 121, G replaced by A.
Protein change: p.Val41Ile; replaces valine 41 with isoleucine.
Molecular consequence: missense variant. On other transcripts: intron variant (3).
Genome position (GRCh38, 1-based): chr13:35,476,018, C>T on the plus strand (G>A on the coding strand, the complement: MAB21L1 is on the minus strand). VCF-style: chr13-35476018-C-T. GRCh37 (hg19) VCF-style: chr13-36050155-C-T.
Other names: c.6585+3482C>T (NM_001385012.1, NM_015678.5); c.6576+3482C>T (NM_001379245.1); short protein forms V41I.
Identifiers: ClinVar variation 1050630 (VCV001050630.1), dbSNP rs139304367, ClinGen allele CA6947519.